The following is an entry in ClinVar:

NM_000493.4(COL10A1):c.456T>C (p.Ile152=)

Genes: COL10A1 (collagen type X alpha 1 chain; minus strand), NT5DC1 (5'-nucleotidase domain containing 1; plus strand). Cytogenetic location: 6q22.1.
Variant type: single nucleotide variant.
Coding change: c.456T>C on transcript NM_000493.4 (MANE Select); coding-DNA position 456, T replaced by C.
Protein change: p.Ile152=; no amino-acid change (isoleucine 152 retained).
Molecular consequence: synonymous variant. On other transcripts: intron variant (1).
Genome position (GRCh38, 1-based): chr6:116,121,660, A>G on the plus strand (T>C on the coding strand, the complement: COL10A1 is on the minus strand). VCF-style: chr6-116121660-A-G. GRCh37 (hg19) VCF-style: chr6-116442823-A-G.
Other names: c.456T>C, p.Ile152= (NM_001424106.1, NM_001424107.1); c.529+3715A>G (NM_152729.3).
Identifiers: ClinVar variation 355105 (VCV000355105.8), dbSNP rs572738023, ClinGen allele CA3968391.
Genomic context (GRCh38, chr6:116,121,660, plus strand): 5'-AAAGCCCCTGGGTCCTGGGGCTCCTGTGGGTCCCTGTTGTCCAGGTTTTCCTGGCACAGA[A>G]ATTCCAGCCGGTCCAGGGATTCCAGGTGGTCCTGGTGGGCCCCGGGGTCCTGGTAGGCCA-3'
Protein context (NP_000484.2, residues 142-162): GPPGIPGPAG[Ile152=]SVPGKPGQQG

ClinVar aggregate classification (germline): Likely benign. Review status: criteria provided, multiple submitters, no conflicts (2 of 4 stars). 3 submissions from 3 submitters: Likely benign (3). Last evaluated 2024-10-16.

Conditions:
Metaphyseal chondrodysplasia, Schmid type (MCDS). Also called: SPONDYLOMETAPHYSEAL DYSPLASIA, JAPANESE TYPE. Identifiers: Orphanet 174, MedGen C0265289, MONDO:0007983, OMIM 156500.

Allele frequency attached by ClinVar (database versions not stated): TOPMed below 0.00001; ExAC 0.00002; gnomAD 0.00003; gnomAD exomes 0.00003 and 0.00010.
gnomAD v4.1: 143 of 1,613,568 alleles (0.0089%); highest among the groups gnomAD compares: Non-Finnish European, 0.012%; no homozygotes.

Submissions (3):

Labcorp Genetics (formerly Invitae), Labcorp
Classification: Likely benign. Last evaluated: 2024-10-16. Review status: criteria provided, single submitter. Criteria: Invitae Variant Classification Sherloc (09022015). Collection method: clinical testing. Allele origin: germline.

Illumina Laboratory Services, Illumina
Classification: Likely benign for Metaphyseal chondrodysplasia, Schmid type. Last evaluated: 2018-01-12. Review status: criteria provided, single submitter. Criteria: ICSL Variant Classification Criteria 13 December 2019. Collection method: clinical testing. Allele origin: germline.
Comment: This variant was observed in the ICSL laboratory as part of a predisposition screen in an ostensibly healthy population. It had not been previously curated by ICSL or reported in the Human Gene Mutation Database (HGMD: prior to June 1st, 2018), and was therefore a candidate for classification through an automated scoring system. Utilizing variant allele frequency, disease prevalence and penetrance estimates, and inheritance mode, an automated score was calculated to assess if this variant is too frequent to cause the disease. Based on the score and internal cut-off values, a variant classified as likely benign is not then subjected to further curation. The score for this variant resulted in a classification of likely benign for this disease.

Breakthrough Genomics
Classification: Likely benign. Review status: criteria provided, single submitter. Criteria: ACMG Guidelines, 2015. Collection method: not provided. Allele origin: germline. Inheritance: Autosomal dominant inheritance. Affected: yes.